The following is an entry in ClinVar:

NM_006514.4(SCN10A):c.979A>T (p.Lys327Ter)

Gene: SCN10A (sodium voltage-gated channel alpha subunit 10; minus strand). Cytogenetic location: 3p22.2.
Variant type: single nucleotide variant.
Coding change: c.979A>T on transcript NM_006514.4 (MANE Select); coding-DNA position 979, A replaced by T.
Protein change: p.Lys327Ter; replaces lysine 327 with a stop codon.
Molecular consequence: nonsense.
Genome position (GRCh38, 1-based): chr3:38,757,131, T>A on the plus strand (A>T on the coding strand, the complement: SCN10A is on the minus strand). VCF-style: chr3-38757131-T-A. GRCh37 (hg19) VCF-style: chr3-38798622-T-A.
Other names: c.979A>T, p.Lys327Ter (NM_001293306.2, NM_001293307.2); short protein forms K327*.
Identifiers: ClinVar variation 3316507 (VCV003316507.1).

ClinVar aggregate classification (germline): Uncertain significance (1 of 4 stars; one submission).

Conditions:
Cardiovascular phenotype. Identifiers: MedGen CN230736.

gnomAD v4.1: 1 of 1,611,474 alleles (0.000062%); highest among the groups gnomAD compares: East Asian, 0.0022%; no homozygotes.

Submission:

Ambry Genetics
Classification: Uncertain significance for Cardiovascular phenotype. Last evaluated: 2024-04-15. Review status: criteria provided, single submitter. Criteria: Ambry Variant Classification Scheme 2023. Collection method: clinical testing. Allele origin: germline.
Comment: The p.K327* variant (also known as c.979A>T), located in coding exon 8 of the SCN10A gene, results from an A to T substitution at nucleotide position 979. This changes the amino acid from a lysine to a stop codon within coding exon 8. This alteration is expected to result in protein truncation or nonsense-mediated mRNA decay. However, loss of function of SCN10A has not been established as a mechanism of disease. The evidence for this gene-disease relationship is limited; therefore, the clinical significance of this alteration is unclear.